The following is an entry in ClinVar:

NM_002691.4(POLD1):c.2251-5C>T

Gene: POLD1 (DNA polymerase delta 1, catalytic subunit; plus strand). Cytogenetic location: 19q13.33.
Variant type: single nucleotide variant.
Coding change: c.2251-5C>T on transcript NM_002691.4 (MANE Select); 5 bases into the intron before coding-DNA position 2251, C replaced by T.
Molecular consequence: intron variant.
Genome position (GRCh38, 1-based): chr19:50,413,737, C>T. VCF-style: chr19-50413737-C-T. GRCh37 (hg19) VCF-style: chr19-50916994-C-T.
Other names: c.2251-5C>T (NM_001256849.1, LRG_785t1); c.2329-5C>T (NM_001308632.1, LRG_785t2).
Identifiers: ClinVar variation 484397 (VCV000484397.17), dbSNP rs1236954722, ClinGen allele CA633897495.

ClinVar aggregate classification (germline): Conflicting classifications of pathogenicity. Review status: criteria provided, conflicting classifications (1 of 4 stars). 3 submissions from 3 submitters: Uncertain significance (2); Likely benign (1). Last evaluated 2025-12-09.

Conditions:
Hereditary cancer-predisposing syndrome. Also called: Tumor predisposition; Hereditary Cancer Syndrome; Hereditary neoplastic syndrome; Neoplastic Syndromes, Hereditary. Identifiers: Orphanet 140162, MedGen C0027672, MeSH D009386, MONDO:0015356.
POLD1-related polyposis and colorectal cancer syndrome (CRCS10). Also called: Colorectal cancer 10; COLORECTAL CANCER, SUSCEPTIBILITY TO, ON CHROMOSOME 19q; Colorectal cancer, susceptibility to, 10. Identifiers: Orphanet 220460, MedGen C2675481, MONDO:0012953, OMIM 612591.

Allele frequency attached by ClinVar (database versions not stated): TOPMed below 0.00001; gnomAD 0.00001; gnomAD exomes 0.00001 and 0.00004.
gnomAD v4.1: 54 of 1,595,184 alleles (0.0034%); highest among the groups gnomAD compares: Non-Finnish European, 0.0041%; no homozygotes.

Submissions (3):

Labcorp Genetics (formerly Invitae), Labcorp
Classification: Likely benign for POLD1-related polyposis and colorectal cancer syndrome. Last evaluated: 2025-12-09. Review status: criteria provided, single submitter. Criteria: Invitae Variant Classification Sherloc (09022015). Collection method: clinical testing. Allele origin: germline.

Ambry Genetics
Classification: Uncertain significance for Hereditary cancer-predisposing syndrome. Last evaluated: 2024-12-20. Review status: criteria provided, single submitter. Criteria: Ambry Variant Classification Scheme 2023. Collection method: clinical testing. Allele origin: germline.
Comment: The c.2251-5C>T intronic variant results from a C to T substitution 5 nucleotides upstream from coding exon 18 in the POLD1 gene. This nucleotide position is not conserved on limited sequence alignment. In silico splice site analysis predicts that this alteration will not have any significant effect on splicing. Based on the available evidence, the clinical significance of this variant remains unclear.

GeneDx
Classification: Uncertain significance. Last evaluated: 2022-11-22. Review status: criteria provided, single submitter. Criteria: GeneDx Variant Classification Process June 2021. Collection method: clinical testing. Allele origin: germline. Affected: yes.
Comment: Not observed at significant frequency in large population cohorts (gnomAD); In silico analysis supports that this variant does not alter splicing; Has not been previously published as pathogenic or benign to our knowledge